The following is an entry in ClinVar:

ClinVar aggregate classification (germline): Uncertain significance (1 of 4 stars; one submission).

Conditions:
PGM1-congenital disorder of glycosylation. Also called: CDG It; GSD XIV; PGM1 DEFICIENCY; GLYCOGEN STORAGE DISEASE XIV; Congenital disorder of glycosylation type 1t; PHOSPHOGLUCOMUTASE 1 DEFICIENCY. Identifiers: Orphanet 319646, MedGen C2752015, MONDO:0013968, OMIM 614921.

Allele frequency attached by ClinVar (database versions not stated): gnomAD exomes below 0.00001; gnomAD 0.00001; TOPMed 0.00001.
gnomAD v4.1: 5 of 1,613,336 alleles (0.00031%); highest among the groups gnomAD compares: Non-Finnish European, 0.00017%; no homozygotes.

Submission:

Labcorp Genetics (formerly Invitae), Labcorp
Classification: Uncertain significance for PGM1-congenital disorder of glycosylation. Last evaluated: 2022-08-20. Review status: criteria provided, single submitter. Criteria: Invitae Variant Classification Sherloc (09022015). Collection method: clinical testing. Allele origin: germline.
Comment: In summary, the available evidence is currently insufficient to determine the role of this variant in disease. Therefore, it has been classified as a Variant of Uncertain Significance. Algorithms developed to predict the effect of missense changes on protein structure and function (SIFT, PolyPhen-2, Align-GVGD) all suggest that this variant is likely to be tolerated. This variant has not been reported in the literature in individuals affected with PGM1-related conditions. This variant is present in population databases (no rsID available, gnomAD 0.02%). This sequence change replaces valine, which is neutral and non-polar, with isoleucine, which is neutral and non-polar, at codon 192 of the PGM1 protein (p.Val192Ile).

NM_002633.3(PGM1):c.574G>A (p.Val192Ile)

Gene: PGM1 (phosphoglucomutase 1; plus strand). Cytogenetic location: 1p31.3.
Variant type: single nucleotide variant.
Coding change: c.574G>A on transcript NM_002633.3 (MANE Select); coding-DNA position 574, G replaced by A.
Protein change: p.Val192Ile; replaces valine 192 with isoleucine.
Molecular consequence: missense variant. On other transcripts: 5 prime UTR variant (1).
Genome position (GRCh38, 1-based): chr1:63,631,674, G>A. VCF-style: chr1-63631674-G-A. GRCh37 (hg19) VCF-style: chr1-64097345-G-A.
Other names: c.628G>A, p.Val210Ile (NM_001172818.1); c.-18G>A (NM_001172819.2); short protein forms V192I, V210I.
Identifiers: ClinVar variation 2125689 (VCV002125689.4), dbSNP rs1240060113, ClinGen allele CA340648358.